The following is an entry in ClinVar:

ClinVar aggregate classification (germline): Pathogenic (1 of 4 stars; one submission).

Submission:

Labcorp Genetics (formerly Invitae), Labcorp
Classification: Pathogenic. Last evaluated: 2025-12-26. Review status: criteria provided, single submitter. Criteria: Invitae Variant Classification Sherloc (09022015). Collection method: clinical testing. Allele origin: germline.
Comment: This sequence change creates a premature translational stop signal (p.Pro174Hisfs*5) in the DRP2 gene. It is expected to result in an absent or disrupted protein product. Loss-of-function variants in DRP2 are known to be pathogenic (PMID: 22764250, 26227883). This variant is not present in population databases (gnomAD no frequency). This variant has not been reported in the literature in individuals affected with DRP2-related conditions. For these reasons, this variant has been classified as Pathogenic.

Literature cited by the submitters: PubMed 22764250; PubMed 26227883.

NM_001939.3(DRP2):c.521del (p.Pro174fs)

Gene: DRP2 (dystrophin related protein 2; plus strand). Cytogenetic location: Xq22.1.
Variant type: Deletion.
Coding change: c.521del on transcript NM_001939.3 (MANE Select); coding-DNA position 521, one base deleted (C; older notation c.521delC).
Protein change: p.Pro174fs; shifts the reading frame from proline 174.
Molecular consequence: frameshift variant.
Genome position (GRCh38, 1-based): chrX:101,239,063, C deleted; the last of 3 consecutive C bases (chrX:101,239,061-101,239,063); deleting any one gives the same sequence. VCF-style (leftmost placement, unchanged base first): chrX-101239060-AC-A. GRCh37 (hg19) VCF-style: chrX-100494049-AC-A.
Other names: c.287del, p.Pro96fs (NM_001171184.2); short protein forms P174fs, P96fs.
Identifiers: ClinVar variation 4734175 (VCV004734175.1).